The following is an entry in ClinVar:

ClinVar aggregate classification (germline): Uncertain significance. Review status: criteria provided, multiple submitters, no conflicts (2 of 4 stars). 5 submissions from 5 submitters: Uncertain significance (4). 1 of the submissions does not count toward it. Last evaluated 2024-03-27.

Conditions:
Cobalamin C disease. Also called: Methylmalonic aciduria and homocystinuria, Vitamin B12-responsive; Vitamin B12 metabolic defect with combined deficiency of methylmalonyl-CoA mutase and homocysteine:methyltetrahydrofolate methyltransferase; Cobalamin-C methylmalonic acidemia and homocystinuria; Methylmalonic acidemia and homocystinuria cblC type; methylmalonic aciduria and homocystinuria type cblC; Methylmalonic aciduria with homocystinuria cblC type. Identifiers: Orphanet 26, Orphanet 79282, MedGen C1848561, MONDO:0010184, OMIM 277400.

Submissions (5):

Fulgent Genetics
Classification: Uncertain significance for Cobalamin C disease. Last evaluated: 2024-03-27. Review status: criteria provided, single submitter. Criteria: ACMG Guidelines, 2015. Collection method: clinical testing. Allele origin: germline.

Baylor Genetics
Classification: Uncertain significance for Cobalamin C disease. Last evaluated: 2024-01-08. Review status: criteria provided, single submitter. Criteria: ACMG Guidelines, 2015. Collection method: clinical testing. Allele origin: unknown.

Victorian Clinical Genetics Services, Murdoch Childrens Research Institute
Classification: Uncertain significance for Cobalamin C disease. Last evaluated: 2023-07-17. Review status: criteria provided, single submitter. Criteria: ACMG Guidelines, 2015. Collection method: clinical testing. Allele origin: germline. Inheritance: Autosomal recessive inheritance.
Comment: Based on the classification scheme VCGS_Germline_v1.3.4, this variant is classified as VUS-3B. Following criteria are met: 0102 - Loss of function is a known mechanism of disease in this gene and is associated with methylmalonic aciduria and homocystinuria, cblC type (MIM#277400). (I) 0106 - This gene is associated with autosomal recessive disease. (I) 0208 - Variant is predicted to result in an elongated protein. (SP) 0251 - This variant is heterozygous. (I) 0304 - Variant is present in gnomAD (v2) <0.01 for a recessive condition (3 heterozygotes, 0 homozygotes). (SP) 0604 - Variant is not located in an established domain, motif, hotspot or informative constraint region. (I) 0710 - Other protein elongation variants comparable to the one identified in this case have inconclusive previous evidence for pathogenicity. Many of these variants have been reported as VUS, with minimal clinical information (ClinVar). (I) 0809 - Previous evidence of pathogenicity for this variant is inconclusive. This variant has been described twice as a VUS (ClinVar). (I) 0905 - No published segregation evidence has been identified for this variant. (I) 1007 - No published functional evidence has been identified for this variant. (I) Legend: (SP) - Supporting pathogenic, (I) - Information, (SB) - Supporting benign

Genome-Nilou Lab
Classification: Uncertain significance for Cobalamin C disease. Last evaluated: 2023-04-11. Review status: criteria provided, single submitter. Criteria: ACMG Guidelines, 2015. Collection method: clinical testing. Allele origin: germline. Affected: no.

Counsyl
Classification: Uncertain significance for Cobalamin C disease. Last evaluated: 2017-02-07. Review status: no assertion criteria provided. Collection method: clinical testing. Allele origin: unknown. Not counted in ClinVar's aggregate classification.

NM_015506.3(MMACHC):c.701del (p.Leu234fs)

Gene: MMACHC (metabolism of cobalamin associated C; plus strand). Cytogenetic location: 1p34.1.
Variant type: Deletion.
Coding change: c.701del on transcript NM_015506.3 (MANE Select); coding-DNA position 701, one base deleted (T; older notation c.701delT).
Protein change: p.Leu234fs; shifts the reading frame from leucine 234.
Molecular consequence: frameshift variant.
Genome position (GRCh38, 1-based): chr1:45,509,067, T deleted; the last of 2 consecutive T bases (chr1:45,509,066-45,509,067); deleting either gives the same sequence. VCF-style (leftmost placement, unchanged base first): chr1-45509065-AT-A. GRCh37 (hg19) VCF-style: chr1-45974737-AT-A.
Other names: c.530del, p.Leu177fs (NM_001330540.2); short protein forms L234fs, L177fs.
Identifiers: ClinVar variation 550634 (VCV000550634.8), dbSNP rs767339897, ClinGen allele CA827839.